The following is an entry in ClinVar:

ClinVar aggregate classification (germline): Uncertain significance (1 of 4 stars; one submission).

Allele frequency attached by ClinVar (database versions not stated): gnomAD exomes 0.00001; ExAC 0.00002; TOPMed 0.00002; gnomAD 0.00003.
gnomAD v4.1: 14 of 1,613,386 alleles (0.00087%); highest among the groups gnomAD compares: South Asian, 0.0066%; no homozygotes.

Submission:

Labcorp Genetics (formerly Invitae), Labcorp
Classification: Uncertain significance. Last evaluated: 2024-01-08. Review status: criteria provided, single submitter. Criteria: Invitae Variant Classification Sherloc (09022015). Collection method: clinical testing. Allele origin: germline.
Comment: This sequence change replaces alanine, which is neutral and non-polar, with threonine, which is neutral and polar, at codon 1271 of the C3 protein (p.Ala1271Thr). This variant is present in population databases (rs757158061, gnomAD 0.01%). This variant has not been reported in the literature in individuals affected with C3-related conditions. An algorithm developed to predict the effect of missense changes on protein structure and function (PolyPhen-2) suggests that this variant is likely to be disruptive. In summary, the available evidence is currently insufficient to determine the role of this variant in disease. Therefore, it has been classified as a Variant of Uncertain Significance.

NM_000064.4(C3):c.3811G>A (p.Ala1271Thr)

Gene: C3 (complement C3; minus strand). Cytogenetic location: 19p13.3.
Variant type: single nucleotide variant.
Coding change: c.3811G>A on transcript NM_000064.4 (MANE Select); coding-DNA position 3811, G replaced by A.
Protein change: p.Ala1271Thr; replaces alanine 1271 with threonine.
Molecular consequence: missense variant.
Genome position (GRCh38, 1-based): chr19:6,685,146, C>T on the plus strand (G>A on the coding strand, the complement: C3 is on the minus strand). VCF-style: chr19-6685146-C-T. GRCh37 (hg19) VCF-style: chr19-6685157-C-T.
Other names: short protein forms A1271T.
Identifiers: ClinVar variation 2879832 (VCV002879832.3), dbSNP rs757158061, ClinGen allele CA9128612.